The following is an entry in ClinVar:

ClinVar aggregate classification (germline): Uncertain significance (1 of 4 stars; one submission).

Conditions:
Hereditary cancer-predisposing syndrome. Also called: Hereditary Cancer Syndrome; Tumor predisposition; Neoplastic Syndromes, Hereditary; Hereditary neoplastic syndrome. Identifiers: Orphanet 140162, MedGen C0027672, MeSH D009386, MONDO:0015356.

Submission:

Labcorp Genetics (formerly Invitae), Labcorp
Classification: Uncertain significance for Hereditary cancer-predisposing syndrome. Last evaluated: 2020-06-09. Review status: criteria provided, single submitter. Criteria: Invitae Variant Classification Sherloc (09022015). Collection method: clinical testing. Allele origin: germline.
Comment: This variant is not present in population databases (ExAC no frequency). This variant has not been reported in the literature in individuals with RAD50-related conditions. Algorithms developed to predict the effect of missense changes on protein structure and function are either unavailable or do not agree on the potential impact of this missense change (SIFT: "Tolerated"; PolyPhen-2: "Possibly Damaging"; Align-GVGD: "Class C0"). In summary, the available evidence is currently insufficient to determine the role of this variant in disease. Therefore, it has been classified as a Variant of Uncertain Significance. This sequence change replaces aspartic acid with histidine at codon 1122 of the RAD50 protein (p.Asp1122His). The aspartic acid residue is moderately conserved and there is a moderate physicochemical difference between aspartic acid and histidine.

NM_005732.4(RAD50):c.3364G>C (p.Asp1122His)

Gene: RAD50 (RAD50 double strand break repair protein; plus strand). Cytogenetic location: 5q31.1.
Variant type: single nucleotide variant.
Coding change: c.3364G>C on transcript NM_005732.4 (MANE Select); coding-DNA position 3364, G replaced by C.
Protein change: p.Asp1122His; replaces aspartic acid 1122 with histidine.
Molecular consequence: missense variant.
Genome position (GRCh38, 1-based): chr5:132,618,269, G>C. VCF-style: chr5-132618269-G-C. GRCh37 (hg19) VCF-style: chr5-131953961-G-C.
Other names: short protein forms D1122H.
Identifiers: ClinVar variation 1011824 (VCV001011824.9), dbSNP rs1751214369, ClinGen allele CA360964992.